The following is an entry in ClinVar:

ClinVar aggregate classification (germline): Benign/Likely benign. Review status: criteria provided, multiple submitters, no conflicts (2 of 4 stars). 4 submissions from 4 submitters: Benign (1); Likely benign (3). Last evaluated 2024-09-24.

Conditions:
Hereditary cancer-predisposing syndrome. Also called: Tumor predisposition; Neoplastic Syndromes, Hereditary; Hereditary neoplastic syndrome; Hereditary Cancer Syndrome. Identifiers: Orphanet 140162, MedGen C0027672, MeSH D009386, MONDO:0015356.
BAP1-related tumor predisposition syndrome (TPDS1). Also called: Tumor susceptibility linked to germline BAP1 mutations; BAP1 tumor predisposition syndrome; COMMON Syndrome; TUMOR PREDISPOSITION SYNDROME 1. Identifiers: Orphanet 289539, MedGen C3280492, MONDO:0013692, OMIM 614327.

Allele frequency attached by ClinVar (database versions not stated): gnomAD 0.00001.

Submissions (4):

Labcorp Genetics (formerly Invitae), Labcorp
Classification: Likely benign for BAP1-related tumor predisposition syndrome. Last evaluated: 2024-09-24. Review status: criteria provided, single submitter. Criteria: Invitae Variant Classification Sherloc (09022015). Collection method: clinical testing. Allele origin: germline.

Myriad Genetics, Inc.
Classification: Benign for BAP1-related tumor predisposition syndrome. Last evaluated: 2024-07-18. Review status: criteria provided, single submitter. Criteria: Myriad Autosomal Dominant, Autosomal Recessive and X-Linked Classification Criteria (2023). Collection method: clinical testing. Allele origin: unknown.
Comment: This variant is considered benign. This variant is a silent/synonymous amino acid change and it is not expected to impact splicing.

Ambry Genetics
Classification: Likely benign for Hereditary cancer-predisposing syndrome. Last evaluated: 2022-03-26. Review status: criteria provided, single submitter. Criteria: Ambry Variant Classification Scheme 2023. Collection method: clinical testing. Allele origin: germline.

Color Diagnostics, LLC DBA Color Health
Classification: Likely benign for Hereditary cancer-predisposing syndrome. Last evaluated: 2017-12-11. Review status: criteria provided, single submitter. Criteria: ACMG Guidelines, 2015. Collection method: clinical testing. Allele origin: germline.

NM_004656.4(BAP1):c.2152C>A (p.Arg718=)

Gene: BAP1 (BRCA1 associated deubiquitinase 1; minus strand). Cytogenetic location: 3p21.1.
Variant type: single nucleotide variant.
Coding change: c.2152C>A on transcript NM_004656.4 (MANE Select); coding-DNA position 2152, C replaced by A.
Protein change: p.Arg718=; no amino-acid change (arginine 718 retained).
Molecular consequence: synonymous variant.
Genome position (GRCh38, 1-based): chr3:52,402,326, G>T on the plus strand (C>A on the coding strand, the complement: BAP1 is on the minus strand). VCF-style: chr3-52402326-G-T. GRCh37 (hg19) VCF-style: chr3-52436342-G-T.
Identifiers: ClinVar variation 631009 (VCV000631009.12), dbSNP rs1186981831, ClinGen allele CA433885850.